The following is an entry in ClinVar:

ClinVar aggregate classification (germline): Conflicting classifications of pathogenicity. Review status: criteria provided, conflicting classifications (1 of 4 stars). 6 submissions from 6 submitters: Uncertain significance (1); Benign (1); Likely benign (4). Last evaluated 2026-08-28.

Conditions:
RIMS1-related disorder. Also called: RIMS1-related condition.
Cone-rod dystrophy 7 (CORD7). Identifiers: Orphanet 1872, MedGen C1863634, MONDO:0011355, OMIM 603649.

Allele frequency attached by ClinVar (database versions not stated): gnomAD 0.00005 and 0.00009; TOPMed 0.00011; gnomAD exomes 0.00013 and 0.00024; ExAC 0.00027; 1000 Genomes Project 30x 0.00047; 1000 Genomes Project 0.00060.
gnomAD v4.1: 217 of 1,613,446 alleles (0.013%); highest among the groups gnomAD compares: East Asian, 0.38%; no homozygotes.

Submissions (6):

PreventionGenetics, part of Exact Sciences
Classification: Likely benign for RIMS1-related condition. Last evaluated: 2026-08-28. Review status: criteria provided, single submitter. Criteria: ACMG Guidelines, 2015. Collection method: clinical testing. Allele origin: germline.
Comment: This variant is classified as likely benign based on ACMG/AMP sequence variant interpretation guidelines (Richards et al. 2015 PMID: 25741868, with internal and published modifications).

CeGaT Center for Human Genetics Tuebingen
Classification: Likely benign. Last evaluated: 2026-08-01. Review status: criteria provided, single submitter. Criteria: CeGaT Center For Human Genetics Tuebingen Variant Classification Criteria Version 2. Collection method: clinical testing. Allele origin: germline. Affected: yes. Observed: 1 variant allele.
Comment: RIMS1: BS1

Labcorp Genetics (formerly Invitae), Labcorp
Classification: Likely benign. Last evaluated: 2025-03-31. Review status: criteria provided, single submitter. Criteria: Invitae Variant Classification Sherloc (09022015). Collection method: clinical testing. Allele origin: germline.

Blueprint Genetics
Classification: Likely benign. Last evaluated: 2024-03-05. Review status: criteria provided, single submitter. Criteria: ACMG Guidelines, 2015. Collection method: clinical testing. Allele origin: germline.

Illumina Laboratory Services, Illumina
Classification: Benign for Cone-rod dystrophy 7. Last evaluated: 2018-01-13. Review status: criteria provided, single submitter. Criteria: ICSL Variant Classification Criteria 13 December 2019. Collection method: clinical testing. Allele origin: germline.
Comment: This variant was observed in the ICSL laboratory as part of a predisposition screen in an ostensibly healthy population. It had not been previously curated by ICSL or reported in the Human Gene Mutation Database (HGMD: prior to June 1st, 2018), and was therefore a candidate for classification through an automated scoring system. Utilizing variant allele frequency, disease prevalence and penetrance estimates, and inheritance mode, an automated score was calculated to assess if this variant is too frequent to cause the disease. Based on the score and internal cut-off values, a variant classified as benign is not then subjected to further curation. The score for this variant resulted in a classification of benign for this disease.

Eurofins Ntd Llc (ga)
Classification: Uncertain significance. Last evaluated: 2016-11-21. Review status: criteria provided, single submitter. Criteria: EGL Classification Definitions 2015. Collection method: clinical testing. Allele origin: germline. Observed: 1 variant allele, 1 heterozygote.

NM_014989.7(RIMS1):c.28C>T (p.Pro10Ser)

Gene: RIMS1 (regulating synaptic membrane exocytosis 1; plus strand). Cytogenetic location: 6q13.
Variant type: single nucleotide variant.
Coding change: c.28C>T on transcript NM_014989.7 (MANE Select); coding-DNA position 28, C replaced by T.
Protein change: p.Pro10Ser; replaces proline 10 with serine.
Molecular consequence: missense variant.
Genome position (GRCh38, 1-based): chr6:71,887,051, C>T. VCF-style: chr6-71887051-C-T. GRCh37 (hg19) VCF-style: chr6-72596754-C-T.
Other names: c.28C>T, p.Pro10Ser (NM_001350411.1, NM_001350412.1, NM_001350413.1); short protein forms P10S.
Identifiers: ClinVar variation 357828 (VCV000357828.21), dbSNP rs200935038, ClinGen allele CA3885365.